The following is an entry in ClinVar:

NM_001127208.3(TET2):c.3386A>C (p.Asp1129Ala)

Genes: TET2 (tet methylcytosine dioxygenase 2; plus strand), TET2-AS1 (TET2 antisense RNA 1; minus strand). Cytogenetic location: 4q24.
Variant type: single nucleotide variant.
Coding change: c.3386A>C on transcript NM_001127208.3 (MANE Select); coding-DNA position 3386, A replaced by C.
Protein change: p.Asp1129Ala; replaces aspartic acid 1129 with alanine.
Molecular consequence: missense variant.
Genome position (GRCh38, 1-based): chr4:105,237,328, A>C. VCF-style: chr4-105237328-A-C. GRCh37 (hg19) VCF-style: chr4-106158485-A-C.
Other names: c.3386A>C, p.Asp1129Ala (NM_017628.4); short protein forms D1129A.
Identifiers: ClinVar variation 4594250 (VCV004594250.1).

ClinVar aggregate classification (germline): Uncertain significance (1 of 4 stars; one submission).

Submission:

Ambry Genetics
Classification: Uncertain significance. Last evaluated: 2025-12-14. Review status: criteria provided, single submitter. Criteria: Ambry Variant Classification Scheme 2023. Collection method: clinical testing. Allele origin: germline.
Comment: The p.D1129A variant (also known as c.3386A>C), located in coding exon 1 of the TET2 gene, results from an A to C substitution at nucleotide position 3386. The aspartic acid at codon 1129 is replaced by alanine, an amino acid with dissimilar properties. This amino acid position is conserved. In addition, this alteration is predicted to be tolerated by in silico analysis. Based on the available evidence, the clinical significance of this variant remains unclear.